The following is an entry in ClinVar:

ClinVar aggregate classification (germline): Uncertain significance (1 of 4 stars; one submission).

Submission:

GeneDx
Classification: Uncertain significance. Last evaluated: 2023-02-28. Review status: criteria provided, single submitter. Criteria: GeneDx Variant Classification Process June 2021. Collection method: clinical testing. Allele origin: germline. Affected: yes.
Comment: Not observed at significant frequency in large population cohorts (gnomAD); In silico analysis supports that this missense variant does not alter protein structure/function; Has not been previously published as pathogenic or benign to our knowledge

NM_001286577.2(C2CD3):c.1759G>C (p.Val587Leu)

Gene: C2CD3 (C2 domain containing 3 centriole elongation regulator; minus strand). Cytogenetic location: 11q13.4.
Variant type: single nucleotide variant.
Coding change: c.1759G>C on transcript NM_001286577.2 (MANE Select); coding-DNA position 1759, G replaced by C.
Protein change: p.Val587Leu; replaces valine 587 with leucine.
Molecular consequence: missense variant.
Genome position (GRCh38, 1-based): chr11:74,113,864, C>G on the plus strand (G>C on the coding strand, the complement: C2CD3 is on the minus strand). VCF-style: chr11-74113864-C-G. GRCh37 (hg19) VCF-style: chr11-73824909-C-G.
Other names: c.1759G>C, p.Val587Leu (NM_015531.6); short protein forms V587L.
Identifiers: ClinVar variation 2578074 (VCV002578074.1), dbSNP rs2496489624, ClinGen allele CA381836872.